The following is an entry in ClinVar:

ClinVar aggregate classification (germline): Likely benign (0 of 4 stars; one submission).

Conditions:
NOP56-related disorder. Also called: NOP56-related condition.

Allele frequency attached by ClinVar (database versions not stated): gnomAD 0.00012; ESP Exome Variant Server 0.00015; TOPMed 0.00015; 1000 Genomes Project 30x 0.00016; 1000 Genomes Project 0.00020; gnomAD exomes 0.00025; ExAC 0.00028.
gnomAD v4.1: 387 of 1,614,184 alleles (0.024%); highest among the groups gnomAD compares: Middle Eastern, 0.15%; no homozygotes.

Submission:

PreventionGenetics, part of Exact Sciences
Classification: Likely benign for NOP56-related condition. Last evaluated: 2020-06-01. Review status: no assertion criteria provided. Collection method: clinical testing. Allele origin: germline.
Comment: This variant is classified as likely benign based on ACMG/AMP sequence variant interpretation guidelines (Richards et al. 2015 PMID: 25741868, with internal and published modifications).

NM_006392.4(NOP56):c.1098C>T (p.Gly366=)

Gene: NOP56 (NOP56 ribonucleoprotein; plus strand). Cytogenetic location: 20p13.
Variant type: single nucleotide variant.
Coding change: c.1098C>T on transcript NM_006392.4 (MANE Select); coding-DNA position 1098, C replaced by T.
Protein change: p.Gly366=; no amino-acid change (glycine 366 retained).
Molecular consequence: synonymous variant. On other transcripts: non-coding transcript variant (2).
Genome position (GRCh38, 1-based): chr20:2,656,488, C>T. VCF-style: chr20-2656488-C-T. GRCh37 (hg19) VCF-style: chr20-2637134-C-T.
Identifiers: ClinVar variation 3043547 (VCV003043547.2), dbSNP rs151080095, ClinGen allele CA9734678.